The following is an entry in ClinVar:

NM_000255.4(MMUT):c.1793del (p.Thr598fs)

Gene: MMUT (methylmalonyl-CoA mutase; minus strand). Cytogenetic location: 6p12.3.
Variant type: Deletion.
Coding change: c.1793del on transcript NM_000255.4 (MANE Select); coding-DNA position 1793, one base deleted (C; older notation c.1793delC).
Protein change: p.Thr598fs; shifts the reading frame from threonine 598.
Molecular consequence: frameshift variant.
Genome position (GRCh38, 1-based): chr6:49,441,855, G deleted on the plus strand (C on the coding strand, the reverse complement: MMUT is on the minus strand). VCF-style (leftmost placement, unchanged base first): chr6-49441854-TG-T. GRCh37 (hg19) VCF-style: chr6-49409567-TG-T.
Other names: short protein forms T598fs.
Identifiers: ClinVar variation 5016023 (VCV005016023.1).

ClinVar aggregate classification (germline): Pathogenic (1 of 4 stars; one submission).

Conditions:
Methylmalonic aciduria due to methylmalonyl-CoA mutase deficiency (MAMM). Also called: Methylmalonic aciduria, mut type. Identifiers: Orphanet 27, MedGen C1855114, MONDO:0009612, OMIM 251000.

Submission:

Myriad Genetics, Inc.
Classification: Pathogenic for Methylmalonic aciduria due to methylmalonyl-CoA mutase deficiency. Last evaluated: 2026-06-10. Review status: criteria provided, single submitter. Criteria: Myriad Autosomal Dominant, Autosomal Recessive and X-Linked Classification Criteria (2023). Collection method: clinical testing. Allele origin: unknown.
Comment: NM_000255.3(MMUT):c.1793delC(T598Nfs*22) is expected to be pathogenic in the context of methylmalonic acidemia, MMUT-related. This variant is predicted to lead to an abnormal or absent protein product due to the creation of a premature termination codon in MMUT, a gene where loss-of-function variants are known to be pathogenic. Please note: this variant was assessed in the context of healthy population screening.